The following is an entry in ClinVar:

ClinVar aggregate classification (germline): Benign/Likely benign. Review status: criteria provided, multiple submitters, no conflicts (2 of 4 stars). 4 submissions from 4 submitters: Benign (2); Likely benign (2). Last evaluated 2025-10-03.

Conditions:
NYX-related disorder. Also called: NYX-related condition.
Congenital stationary night blindness 1A (CSNB1A). Also called: NYX-Related X-Linked Congenital Stationary Night Blindness; Night blindness, congenital stationary (complete), 1A, X-linked; CSNB, COMPLETE, X-LINKED; HEMERALOPIA-MYOPIA; MYOPIA-NIGHT BLINDNESS; NIGHT BLINDNESS, CONGENITAL STATIONARY, WITH MYOPIA. Identifiers: Orphanet 215, MedGen C3495587, MONDO:0010690, OMIM 310500.

Allele frequency attached by ClinVar (database versions not stated): gnomAD 0.00012 and 0.00014; gnomAD exomes 0.00020 and 0.00080; 1000 Genomes Project 30x 0.00021; 1000 Genomes Project 0.00026; TOPMed 0.00031; ExAC 0.00120.
gnomAD v4.1: 237 of 1,196,644 alleles (0.02%); highest among the groups gnomAD compares: Admixed American, 0.32%; 1 homozygote.

Submissions (4):

Labcorp Genetics (formerly Invitae), Labcorp
Classification: Benign. Last evaluated: 2025-10-03. Review status: criteria provided, single submitter. Criteria: Invitae Variant Classification Sherloc (09022015). Collection method: clinical testing. Allele origin: germline.

PreventionGenetics, part of Exact Sciences
Classification: Likely benign for NYX-related condition. Last evaluated: 2025-05-06. Review status: criteria provided, single submitter. Criteria: ACMG Guidelines, 2015. Collection method: clinical testing. Allele origin: germline.
Comment: This variant is classified as likely benign based on ACMG/AMP sequence variant interpretation guidelines (Richards et al. 2015 PMID: 25741868, with internal and published modifications).

Blueprint Genetics
Classification: Likely benign. Last evaluated: 2022-11-18. Review status: criteria provided, single submitter. Criteria: ACMG Guidelines, 2015. Collection method: clinical testing. Allele origin: germline.

Illumina Laboratory Services, Illumina
Classification: Benign for Congenital stationary night blindness 1A. Last evaluated: 2018-01-12. Review status: criteria provided, single submitter. Criteria: ICSL Variant Classification Criteria 13 December 2019. Collection method: clinical testing. Allele origin: germline.
Comment: This variant was observed in the ICSL laboratory as part of a predisposition screen in an ostensibly healthy population. It had not been previously curated by ICSL or reported in the Human Gene Mutation Database (HGMD: prior to June 1st, 2018), and was therefore a candidate for classification through an automated scoring system. Utilizing variant allele frequency, disease prevalence and penetrance estimates, and inheritance mode, an automated score was calculated to assess if this variant is too frequent to cause the disease. Based on the score and internal cut-off values, a variant classified as benign is not then subjected to further curation. The score for this variant resulted in a classification of benign for this disease.

NM_001378477.3(NYX):c.1238C>G (p.Ser413Cys)

Gene: NYX (nyctalopin; plus strand). Cytogenetic location: Xp11.4.
Variant type: single nucleotide variant.
Coding change: c.1238C>G on transcript NM_001378477.3 (MANE Select); coding-DNA position 1238, C replaced by G.
Protein change: p.Ser413Cys; replaces serine 413 with cysteine.
Molecular consequence: missense variant.
Genome position (GRCh38, 1-based): chrX:41,474,706, C>G. VCF-style: chrX-41474706-C-G. GRCh37 (hg19) VCF-style: chrX-41333959-C-G.
Other names: c.1238C>G, p.Ser413Cys (NM_022567.3); short protein forms S418C, S413C.
Identifiers: ClinVar variation 368272 (VCV000368272.17), dbSNP rs776029387, ClinGen allele CA10389932.